The following is an entry in ClinVar:

ClinVar aggregate classification (germline): Likely benign. Review status: criteria provided, multiple submitters, no conflicts (2 of 4 stars). 2 submissions from 2 submitters: Likely benign (2). Last evaluated 2026-01-26.

Allele frequency attached by ClinVar (database versions not stated): TOPMed 0.00001; gnomAD 0.00002 and 0.00003; ExAC 0.00006.
gnomAD v4.1: 68 of 1,613,402 alleles (0.0042%); highest among the groups gnomAD compares: East Asian, 0.022%; no homozygotes.

Submissions (2):

Labcorp Genetics (formerly Invitae), Labcorp
Classification: Likely benign. Last evaluated: 2026-01-26. Review status: criteria provided, single submitter. Criteria: Invitae Variant Classification Sherloc (09022015). Collection method: clinical testing. Allele origin: germline.

CeGaT Center for Human Genetics Tuebingen
Classification: Likely benign. Last evaluated: 2023-01-01. Review status: criteria provided, single submitter. Criteria: CeGaT Center For Human Genetics Tuebingen Variant Classification Criteria Version 2. Collection method: clinical testing. Allele origin: germline. Affected: yes. Observed: 1 variant allele.
Comment: CDH23: BP4, BP7

NM_022124.6(CDH23):c.4893G>A (p.Ala1631=)

Gene: CDH23 (cadherin related 23; plus strand). Cytogenetic location: 10q22.1.
Variant type: single nucleotide variant.
Coding change: c.4893G>A on transcript NM_022124.6 (MANE Select); coding-DNA position 4893, G replaced by A.
Protein change: p.Ala1631=; no amino-acid change (alanine 1631 retained).
Molecular consequence: synonymous variant.
Genome position (GRCh38, 1-based): chr10:71,777,727, G>A. VCF-style: chr10-71777727-G-A. GRCh37 (hg19) VCF-style: chr10-73537484-G-A.
Identifiers: ClinVar variation 1114507 (VCV001114507.32), dbSNP rs576781235, ClinGen allele CA5545582.